The following is an entry in ClinVar:

ClinVar aggregate classification (germline): Pathogenic (1 of 4 stars; one submission).

Conditions:
Waardenburg syndrome type 4C (WS4C). Also called: WAARDENBURG SYNDROME WITH HIRSCHSPRUNG DISEASE, TYPE 4C. Identifiers: Orphanet 897, MedGen C2750452, MONDO:0013202, OMIM 613266.

Submission:

Institute of Rare Diseases, West China Hospital, Sichuan University
Classification: Pathogenic for Waardenburg syndrome type 4C. Last evaluated: 2025-01-09. Review status: criteria provided, single submitter. Criteria: ClinGen HL ACMG Specifications v1. Collection method: research. Allele origin: germline. Affected: yes.
Comment: PM1;PVS1;PP4;PM2_Supporting

NM_006941.4(SOX10):c.424dup (p.Trp142fs)

Genes: POLR2F (RNA polymerase II, I and III subunit F; plus strand), SOX10 (SRY-box transcription factor 10; minus strand). Cytogenetic location: 22q13.1.
Variant type: Duplication.
Coding change: c.424dup on transcript NM_006941.4 (MANE Select); coding-DNA position 424, one base duplicated (T; older notation c.424dupT).
Protein change: p.Trp142fs; shifts the reading frame from tryptophan 142.
Molecular consequence: frameshift variant. On other transcripts: intron variant (3).
Genome position (GRCh38, 1-based): chr22:37,983,361, A duplicated on the plus strand (T on the coding strand, the reverse complement: SOX10 is on the minus strand). VCF-style (leftmost placement, unchanged base first): chr22-37983360-C-CA. GRCh37 (hg19) VCF-style: chr22-38379367-C-CA.
Other names: c.*38+11051dup (NM_001363825.1); c.294-2793dup (NM_001301130.2); c.293+16191dup (NM_001301131.2); short protein forms W142fs.
Identifiers: ClinVar variation 3601836 (VCV003601836.1).
Genomic context (GRCh38, chr22:37,983,360, plus strand): 5'-ACCCTGAATCCACCCGAAGCTAGAGGGCCCGAGCCCGGGGGGCGGTCGGGTGCTCACCTC[C>CA]AGAGCTTGCCCAGCGTCTTGCTGAGCTCAGCGTTGTGCAGGTGCGGGTACTGGTCCGCGA-3'